The following is an entry in ClinVar:

NM_000348.4(SRD5A2):c.571G>A (p.Gly191Arg)

Gene: SRD5A2 (steroid 5 alpha-reductase 2; minus strand). Cytogenetic location: 2p23.1.
Variant type: single nucleotide variant.
Coding change: c.571G>A on transcript NM_000348.4 (MANE Select); coding-DNA position 571, G replaced by A.
Protein change: p.Gly191Arg; replaces glycine 191 with arginine.
Molecular consequence: missense variant.
Genome position (GRCh38, 1-based): chr2:31,529,434, C>T on the plus strand (G>A on the coding strand, the complement: SRD5A2 is on the minus strand). VCF-style: chr2-31529434-C-T. GRCh37 (hg19) VCF-style: chr2-31754504-C-T.
Other names: short protein forms G191R.
Identifiers: ClinVar variation 2971424 (VCV002971424.3), dbSNP rs2465625753, ClinGen allele CA346598097.
Genomic context (GRCh38, chr2:31,529,434, plus strand): 5'-GGGACCAAGTGGCCAGGGCATAGCCGATCCATTCAATGATCTCACCGAGGAAATTGGCTC[C>T]AGAAACATACGTAAACAAGCCACCTGCGTGCAGAAGAATCGGAAGGTCAATCATTGCAAC-3'
Protein context (NP_000339.2, residues 181-201): PQGGLFTYVS[Gly191Arg]ANFLGEIIEW

ClinVar aggregate classification (germline): Uncertain significance (1 of 4 stars; one submission).

Conditions:
3-Oxo-5 alpha-steroid delta 4-dehydrogenase deficiency (PPSH). Also called: 46,XY disorder of sex development due to 5-alpha-reductase 2 deficiency; PSEUDOVAGINAL PERINEOSCROTAL HYPOSPADIAS; FAMILIAL INCOMPLETE MALE PSEUDOHERMAPHRODITISM, TYPE 2; MALE PSEUDOHERMAPHRODITISM DUE TO 5-ALPHA-REDUCTASE DEFICIENCY. Identifiers: Orphanet 753, MedGen C0268297, MONDO:0009923, OMIM 264600. Disease mechanism: loss of function.

Submission:

Labcorp Genetics (formerly Invitae), Labcorp
Classification: Uncertain significance for 3-Oxo-5 alpha-steroid delta 4-dehydrogenase deficiency. Last evaluated: 2024-04-11. Review status: criteria provided, single submitter. Criteria: Invitae Variant Classification Sherloc (09022015). Collection method: clinical testing. Allele origin: germline.
Comment: This sequence change replaces glycine, which is neutral and non-polar, with arginine, which is basic and polar, at codon 191 of the SRD5A2 protein (p.Gly191Arg). This variant is not present in population databases (gnomAD no frequency). This missense change has been observed in individual(s) with steroid-5 alpha-reductase deficiency (PMID: 31186340, 31885560). In at least one individual the data is consistent with being in trans (on the opposite chromosome) from a pathogenic variant. Advanced modeling of protein sequence and biophysical properties (such as structural, functional, and spatial information, amino acid conservation, physicochemical variation, residue mobility, and thermodynamic stability) performed at Invitae indicates that this missense variant is expected to disrupt SRD5A2 protein function with a positive predictive value of 80%. Algorithms developed to predict the effect of sequence changes on RNA splicing suggest that this variant may disrupt the consensus splice site. In summary, the available evidence is currently insufficient to determine the role of this variant in disease. Therefore, it has been classified as a Variant of Uncertain Significance.

Literature cited by the submitters: PubMed 31186340; PubMed 31885560.